The following is an entry in ClinVar:

ClinVar aggregate classification (germline): Uncertain significance (1 of 4 stars; one submission).

Conditions:
Hereditary breast ovarian cancer syndrome. Also called: Hereditary breast and ovarian cancer syndrome (HBOC); Hereditary breast and ovarian cancer; Breast and ovarian cancer; Hereditary breast and/or ovarian cancer syndrome; BRCA1- and BRCA2-Associated Hereditary Breast and Ovarian Cancer; Hereditary breast and ovarian cancer syndrome. Identifiers: Orphanet 145, MedGen C0677776, MeSH D061325, MONDO:0003582. Disease mechanism: loss of function.

Submission:

Labcorp Genetics (formerly Invitae), Labcorp
Classification: Uncertain significance for Hereditary breast ovarian cancer syndrome. Last evaluated: 2025-02-18. Review status: criteria provided, single submitter. Criteria: Invitae Variant Classification Sherloc (09022015). Collection method: clinical testing. Allele origin: germline.
Comment: This sequence change replaces valine, which is neutral and non-polar, with glycine, which is neutral and non-polar, at codon 2610 of the BRCA2 protein (p.Val2610Gly). This variant is not present in population databases (gnomAD no frequency). This variant has not been reported in the literature in individuals affected with BRCA2-related conditions. Invitae Evidence Modeling of protein sequence and biophysical properties (such as structural, functional, and spatial information, amino acid conservation, physicochemical variation, residue mobility, and thermodynamic stability) has been performed for this missense variant. However, the output from this modeling did not meet the statistical confidence thresholds required to predict the impact of this variant on BRCA2 protein function. In summary, the available evidence is currently insufficient to determine the role of this variant in disease. Therefore, it has been classified as a Variant of Uncertain Significance.

NM_000059.4(BRCA2):c.7829T>G (p.Val2610Gly)

Gene: BRCA2 (BRCA2 DNA repair associated; plus strand). Cytogenetic location: 13q13.1.
Variant type: single nucleotide variant.
Coding change: c.7829T>G on transcript NM_000059.4 (MANE Select); coding-DNA position 7829, T replaced by G.
Protein change: p.Val2610Gly; replaces valine 2610 with glycine.
Molecular consequence: missense variant. On other transcripts: non-coding transcript variant (1).
Genome position (GRCh38, 1-based): chr13:32,362,546, T>G. VCF-style: chr13-32362546-T-G. GRCh37 (hg19) VCF-style: chr13-32936683-T-G.
Other names: c.7733T>G, p.Val2578Gly (NM_001406719.1); c.7829T>G, p.Val2610Gly (NM_001406720.1, NM_001432077.1); c.2897T>G, p.Val966Gly (NM_001406721.1); c.1412T>G, p.Val471Gly (NM_001406722.1); short protein forms V2578G, V2610G, V471G, V966G.
Identifiers: ClinVar variation 4802348 (VCV004802348.1).
Genomic context (GRCh38, chr13:32,362,546, plus strand): 5'-TGGTTTTTATGATAATATTCTACTTTTATTTGTTCAGGGCTCTGTGTGACACTCCAGGTG[T>G]GGATCCAAAGCTTATTTCTAGAATTTGGGTTTATAATCACTATAGATGGATCATATGGAA-3'
Protein context (NP_000050.3, residues 2600-2620): FYRALCDTPG[Val2610Gly]DPKLISRIWV